The following is an entry in ClinVar:

ClinVar aggregate classification (germline): Uncertain significance (1 of 4 stars; one submission).

Submission:

Labcorp Genetics (formerly Invitae), Labcorp
Classification: Uncertain significance. Last evaluated: 2022-06-26. Review status: criteria provided, single submitter. Criteria: Invitae Variant Classification Sherloc (09022015). Collection method: clinical testing. Allele origin: germline.
Comment: This sequence change falls in intron 8 of the PRPF31 gene. It does not directly change the encoded amino acid sequence of the PRPF31 protein. In summary, the available evidence is currently insufficient to determine the role of this variant in disease. Therefore, it has been classified as a Variant of Uncertain Significance. Algorithms developed to predict the effect of sequence changes on RNA splicing suggest that this variant may disrupt the consensus splice site. This variant has not been reported in the literature in individuals affected with PRPF31-related conditions. This variant is not present in population databases (gnomAD no frequency).

NM_015629.4(PRPF31):c.856-7G>T

Gene: PRPF31 (pre-mRNA processing factor 31; plus strand). Cytogenetic location: 19q13.42.
Variant type: single nucleotide variant.
Coding change: c.856-7G>T on transcript NM_015629.4 (MANE Select); 7 bases into the intron before coding-DNA position 856, G replaced by T.
Molecular consequence: intron variant.
Genome position (GRCh38, 1-based): chr19:54,126,521, G>T. VCF-style: chr19-54126521-G-T. GRCh37 (hg19) VCF-style: chr19-54629896-G-T.
Identifiers: ClinVar variation 2088082 (VCV002088082.4), dbSNP rs2073925197, ClinGen allele CA2342700937.